The following is an entry in ClinVar:

NM_000083.3(CLCN1):c.407A>T (p.Asp136Val)

Gene: CLCN1 (chloride voltage-gated channel 1; plus strand). Cytogenetic location: 7q34.
Variant type: single nucleotide variant.
Coding change: c.407A>T on transcript NM_000083.3 (MANE Select); coding-DNA position 407, A replaced by T.
Protein change: p.Asp136Val; replaces aspartic acid 136 with valine.
Molecular consequence: missense variant. On other transcripts: non-coding transcript variant (1).
Genome position (GRCh38, 1-based): chr7:143,320,769, A>T. VCF-style: chr7-143320769-A-T. GRCh37 (hg19) VCF-style: chr7-143017862-A-T.
Other names: short protein forms D136V.
Identifiers: ClinVar variation 4884823 (VCV004884823.1).

ClinVar aggregate classification (germline): Uncertain significance (0 of 4 stars; one submission).

Conditions:
Congenital myotonia, autosomal recessive form. Also called: BECKER DISEASE; Becker Generalized Myotonia; myotonia congenita, autosomal recessive. Identifiers: Orphanet 614, MedGen C0751360, MONDO:0009715, OMIM 255700.

Submission:

Hong-Tao Li Lab, Institute of Brain Science and Brain-inspired Research, Shandong First Medical University & Shandong Academy of Medical Sciences China
Classification: Uncertain significance for Congenital myotonia, autosomal recessive form. Review status: no assertion criteria provided. Collection method: research. Allele origin: germline. Inheritance: Autosomal recessive inheritance. Affected: yes. Observed: 1 variant allele, 1 homozygote.
Comment: Observed in affected individuals from a Pakistani neurodevelopmental-disorder research cohort of 263 individuals. Classification assigned using the ACMG/AMP framework.